The following is an entry in ClinVar:

ClinVar aggregate classification (germline): Benign. Review status: criteria provided, multiple submitters, no conflicts (2 of 4 stars). 3 submissions from 3 submitters: Benign (3). Last evaluated 2023-11-12.

Allele frequency attached by ClinVar (database versions not stated): 1000 Genomes Project 30x 0.41209; 1000 Genomes Project 0.41374; TOPMed 0.47276; gnomAD 0.50038 and 0.50240.
gnomAD v4.1: 573,543 of 987,978 alleles (58%); highest among the groups gnomAD compares: Non-Finnish European, 64%; 174,209 homozygotes.

Submissions (3):

Unidad de Genómica Garrahan, Hospital de Pediatría Garrahan
Classification: Benign. Last evaluated: 2023-11-12. Review status: criteria provided, single submitter. Criteria: ACMG Guidelines, 2015. Collection method: clinical testing. Allele origin: germline. Affected: no. Observed: 65 variant alleles.
Comment: This variant is classified as Benign based on local population frequency. This variant was detected in 68% of patients studied by a panel of primary immunodeficiencies. Number of patients: 65. Only high quality variants are reported.

GeneDx
Classification: Benign. Last evaluated: 2018-06-23. Review status: criteria provided, single submitter. Criteria: GeneDx Variant Classification Process June 2021. Collection method: clinical testing. Allele origin: germline. Affected: yes.

Breakthrough Genomics
Classification: Benign. Review status: criteria provided, single submitter. Criteria: ACMG Guidelines, 2015. Collection method: not provided. Allele origin: germline. Inheritance: Unknown mechanism. Affected: yes.

NM_024782.3(NHEJ1):c.1-112T>G

Gene: NHEJ1 (non-homologous end joining factor 1; minus strand). Cytogenetic location: 2q35.
Variant type: single nucleotide variant.
Coding change: c.1-112T>G on transcript NM_024782.3 (MANE Select); 112 bases into the intron before coding-DNA position 1, T replaced by G.
Molecular consequence: intron variant.
Genome position (GRCh38, 1-based): chr2:219,158,474, A>C on the plus strand (T>G on the coding strand, the complement: NHEJ1 is on the minus strand). VCF-style: chr2-219158474-A-C. GRCh37 (hg19) VCF-style: chr2-220023196-A-C.
Other names: c.1-112T>G (NM_001377499.1, NM_001377498.1).
Identifiers: ClinVar variation 1293677 (VCV001293677.5), dbSNP rs2293069, ClinGen allele CA11098333.
Genomic context (GRCh38, chr2:219,158,474, plus strand): 5'-GGAGGGCACCACCCAAACCAGTCTGTATCAACTAAAATCTCATGAAAATCCTCCCTGATA[A>C]AATAGAAGGCATGGATTTACGTTCTCCCAGTATACAACCAGCTGAGCACTGACTTTACTA-3'